The following is an entry in ClinVar:

NM_001080516.2(GRXCR2):c.85G>A (p.Gly29Ser)

Gene: GRXCR2 (glutaredoxin and cysteine rich domain containing 2; minus strand). Cytogenetic location: 5q32.
Variant type: single nucleotide variant.
Coding change: c.85G>A on transcript NM_001080516.2 (MANE Select); coding-DNA position 85, G replaced by A.
Protein change: p.Gly29Ser; replaces glycine 29 with serine.
Molecular consequence: missense variant.
Genome position (GRCh38, 1-based): chr5:145,872,884, C>T on the plus strand (G>A on the coding strand, the complement: GRXCR2 is on the minus strand). VCF-style: chr5-145872884-C-T. GRCh37 (hg19) VCF-style: chr5-145252447-C-T.
Other names: short protein forms G29S.
Identifiers: ClinVar variation 1464559 (VCV001464559.4), dbSNP rs199705611, ClinGen allele CA3488118.

ClinVar aggregate classification (germline): Uncertain significance (1 of 4 stars; one submission).

Allele frequency attached by ClinVar (database versions not stated): gnomAD exomes 0.00003; gnomAD 0.00004; TOPMed 0.00004; 1000 Genomes Project 30x 0.00016; 1000 Genomes Project 0.00020.
gnomAD v4.1: 56 of 1,614,128 alleles (0.0035%); highest among the groups gnomAD compares: South Asian, 0.021%; no homozygotes.

Submission:

Labcorp Genetics (formerly Invitae), Labcorp
Classification: Uncertain significance. Last evaluated: 2021-10-04. Review status: criteria provided, single submitter. Criteria: Invitae Variant Classification Sherloc (09022015). Collection method: clinical testing. Allele origin: germline.
Comment: In summary, the available evidence is currently insufficient to determine the role of this variant in disease. Therefore, it has been classified as a Variant of Uncertain Significance. Algorithms developed to predict the effect of sequence changes on RNA splicing suggest that this variant may create or strengthen a splice site. Algorithms developed to predict the effect of missense changes on protein structure and function are either unavailable or do not agree on the potential impact of this missense change (SIFT: "Tolerated"; PolyPhen-2: "Probably Damaging"; Align-GVGD: "Class C0"). This variant has not been reported in the literature in individuals affected with GRXCR2-related conditions. This variant is present in population databases (rs199705611, ExAC 0.02%). This sequence change replaces glycine with serine at codon 29 of the GRXCR2 protein (p.Gly29Ser). The glycine residue is highly conserved and there is a small physicochemical difference between glycine and serine.